The following is an entry in ClinVar:

NM_015915.5(ATL1):c.1370T>C (p.Ile457Thr)

Gene: ATL1 (atlastin GTPase 1; plus strand). Cytogenetic location: 14q22.1.
Variant type: single nucleotide variant.
Coding change: c.1370T>C on transcript NM_015915.5 (MANE Select); coding-DNA position 1370, T replaced by C.
Protein change: p.Ile457Thr; replaces isoleucine 457 with threonine.
Molecular consequence: missense variant.
Genome position (GRCh38, 1-based): chr14:50,628,281, T>C. VCF-style: chr14-50628281-T-C. GRCh37 (hg19) VCF-style: chr14-51094999-T-C.
Other names: c.1370T>C, p.Ile457Thr (NM_001127713.1, NM_181598.4); short protein forms I457T.
Identifiers: ClinVar variation 3234640 (VCV003234640.20), dbSNP rs2504578001, ClinGen allele CA389676142.

ClinVar aggregate classification (germline): Uncertain significance (1 of 4 stars; one submission).

Submission:

CeGaT Center for Human Genetics Tuebingen
Classification: Uncertain significance. Last evaluated: 2024-04-01. Review status: criteria provided, single submitter. Criteria: CeGaT Center For Human Genetics Tuebingen Variant Classification Criteria Version 2. Collection method: clinical testing. Allele origin: germline. Affected: yes. Observed: 1 variant allele.
Comment: ATL1: PM2, PP3